The following is an entry in ClinVar:

ClinVar aggregate classification (germline): Pathogenic. Review status: criteria provided, multiple submitters, no conflicts (2 of 4 stars). 2 submissions from 2 submitters: Pathogenic (2). Last evaluated 2024-09-26.

Conditions:
Autosomal recessive nonsyndromic hearing loss 18B. Also called: Deafness, autosomal recessive 18b. Identifiers: Orphanet 90636, MedGen C3554163, MONDO:0013985, OMIM 614945.

Allele frequency attached by ClinVar (database versions not stated): gnomAD 0.00001; TOPMed 0.00003.
gnomAD v4.1: 15 of 1,551,012 alleles (0.00097%); highest among the groups gnomAD compares: East Asian, 0.029%; 1 homozygote.

Submissions (2):

Labcorp Genetics (formerly Invitae), Labcorp
Classification: Pathogenic. Last evaluated: 2024-09-26. Review status: criteria provided, single submitter. Criteria: Invitae Variant Classification Sherloc (09022015). Collection method: clinical testing. Allele origin: germline.
Comment: This sequence change creates a premature translational stop signal (p.Tyr1194*) in the OTOG gene. It is expected to result in an absent or disrupted protein product. Loss-of-function variants in OTOG are known to be pathogenic (PMID: 23122587). This variant is present in population databases (no rsID available, gnomAD 0.1%), including at least one homozygous and/or hemizygous individual. This premature translational stop signal has been observed in individual(s) with hearing impairment (PMID: 31581539). ClinVar contains an entry for this variant (Variation ID: 2445642). Algorithms developed to predict the effect of sequence changes on RNA splicing suggest that this variant may disrupt the consensus splice site. For these reasons, this variant has been classified as Pathogenic.

King Laboratory, University of Washington
Classification: Pathogenic for Autosomal recessive nonsyndromic hearing loss 18B. Last evaluated: 2023-02-28. Review status: criteria provided, single submitter. Criteria: Li et al. (Genet Med. 2022). Collection method: research. Allele origin: unknown. Affected: yes.
Comment: This variant occurred in compound heterozygosity with an OTOG missense variant in a patient with bilateral sensorineural hearing loss of onset <18 years, in a study of pediatric hearing loss conducted by the King Laboratory (Carlson RJ et al. JAMA-OtoHNS 2023). This variant is a nonsense that introduces a premature stop at position 1194 of 2925 in the OTOG protein. As of January 2023, this variant has not been reported to ClinVar and is found in 12 heterozygotes and 1 homozygote on gnomAD. Based on the prediction that this variant leads to a truncated protein and goodness of fit of genotype to phenotype, we conclude that this variant is pathogenic.

Literature cited by the submitters: PubMed 23122587 (cited by Labcorp Genetics (formerly Invitae), Labcorp); PubMed 31581539 (cited by Labcorp Genetics (formerly Invitae), Labcorp); PubMed 36633841 (cited by King Laboratory, University of Washington).

NM_001292063.2(OTOG):c.3546C>A (p.Tyr1182Ter)

Gene: OTOG (otogelin; plus strand). Cytogenetic location: 11p15.1.
Variant type: single nucleotide variant.
Coding change: c.3546C>A on transcript NM_001292063.2 (MANE Select); coding-DNA position 3546, C replaced by A.
Protein change: p.Tyr1182Ter; replaces tyrosine 1182 with a stop codon.
Molecular consequence: nonsense.
Genome position (GRCh38, 1-based): chr11:17,596,871, C>A. VCF-style: chr11-17596871-C-A. GRCh37 (hg19) VCF-style: chr11-17618418-C-A.
Other names: c.3582C>A, p.Tyr1194Ter (NM_001277269.2); short protein forms Y1194*, Y1182*.
Identifiers: ClinVar variation 2445642 (VCV002445642.3), dbSNP rs1038769707, ClinGen allele CA218462099.